The following is an entry in ClinVar:

ClinVar aggregate classification (germline): Likely pathogenic. Review status: reviewed by expert panel (3 of 4 stars). 2 submissions from 2 submitters: Likely pathogenic (1). 1 of the submissions does not count toward it. Last evaluated 2024-09-06.

Conditions:
Phenylketonuria (PKU). Also called: Phenylketonuria (PKU); FOLLING DISEASE; OLIGOPHRENIA PHENYLPYRUVICA; Phenylketonurias. Identifiers: Orphanet 716, MedGen C0031485, MONDO:0009861, OMIM 261600. Disease mechanism: loss of function.

Submissions (2):

ClinGen PAH Variant Curation Expert Panel
Classification: Likely pathogenic for Phenylketonuria. Last evaluated: 2024-09-06. Review status: reviewed by expert panel. Criteria: ClinGen PAH ACMG Specifications v1. Collection method: curation. Allele origin: germline. Inheritance: Autosomal recessive inheritance.
Comment: The c.533A>T (p.Glu178Val) variant in PAH has not been reported in the literature/in a patient to our knowledge. This variant is absent in population databases. Computational evidence support a deleterious effect (REVEL= 0.866. Functional studies of this variant have been reported to BioPKU: mutant in vitro expression in COS cells reportedly had 18% enzyme activity as compared to wild type. Another missense change at this amino acid (p.Glu178Gly) is classified as pathogenic. In summary, this variant meets criteria to be classified as likely pathogenic for PAH. PAH-specific ACMG/AMP criteria applied: PS3_supporting, PM2_supporting, PM5, PP3_moderate.

DeBelle Laboratory for Biochemical Genetics, MUHC/MCH RESEARCH INSTITUTE
No classification provided. Review status: no classification provided. Collection method: not provided. Allele origin: not provided. Not counted in ClinVar's aggregate classification.

Literature cited by the submitters: PubMed 10980574 (cited by ClinGen PAH Variant Curation Expert Panel).

NM_000277.3(PAH):c.533A>T (p.Glu178Val)

Gene: PAH (phenylalanine hydroxylase; minus strand). Cytogenetic location: 12q23.2.
Variant type: single nucleotide variant.
Coding change: c.533A>T on transcript NM_000277.3 (MANE Select); coding-DNA position 533, A replaced by T.
Protein change: p.Glu178Val; replaces glutamic acid 178 with valine.
Molecular consequence: missense variant.
Genome position (GRCh38, 1-based): chr12:102,855,309, T>A on the plus strand (A>T on the coding strand, the complement: PAH is on the minus strand). VCF-style: chr12-102855309-T-A. GRCh37 (hg19) VCF-style: chr12-103249087-T-A.
Other names: NM_000277.3(PAH):c.533A>T; p.Glu178Val; c.533A>T, p.Glu178Val (NM_001354304.2); short protein forms E178V.
Identifiers: ClinVar variation 102728 (VCV000102728.2), dbSNP rs77958223, ClinGen allele CA229611.